The following is an entry in ClinVar:

NM_000212.3(ITGB3):c.836A>T (p.Lys279Met)

Genes: ITGB3 (integrin subunit beta 3; plus strand), LOC130061045 (ATAC-STARR-seq lymphoblastoid active region 12309; plus strand). Cytogenetic location: 17q21.32.
Variant type: single nucleotide variant.
Coding change: c.836A>T on transcript NM_000212.3 (MANE Select); coding-DNA position 836, A replaced by T.
Protein change: p.Lys279Met; replaces lysine 279 with methionine.
Molecular consequence: missense variant.
Genome position (GRCh38, 1-based): chr17:47,287,128, A>T. VCF-style: chr17-47287128-A-T. GRCh37 (hg19) VCF-style: chr17-45364494-A-T.
Other names: K253M; c.836A>T (NM_000212.2); short protein forms K279M.
Identifiers: ClinVar variation 13568 (VCV000013568.10), dbSNP rs79775494, ClinGen allele CA123254.
Genomic context (GRCh38, chr17:47,287,128, plus strand): 5'-AGGAAAAGATTGGCTGGAGGAATGATGCATCCCACTTGCTGGTGTTTACCACTGATGCCA[A>T]GACTCATATAGCATTGGACGGAAGGCTGGCAGGCATTGTCCAGCCTAATGACGGGCAGTG-3'
Protein context (NP_000203.2, residues 269-289): SHLLVFTTDA[Lys279Met]THIALDGRLA

ClinVar aggregate classification (germline): Uncertain significance. Review status: reviewed by expert panel (3 of 4 stars). 3 submissions from 3 submitters: Uncertain significance (1). 2 of the submissions do not count toward it. Last evaluated 2024-10-15.

Conditions:
Glanzmann thrombasthenia 2. Also called: BLEEDING DISORDER, PLATELET-TYPE, 23. Identifiers: MedGen C5543273, MONDO:0031009, OMIM 619267.
Glanzmann thrombasthenia. Also called: THROMBASTHENIA OF GLANZMANN AND NAEGELI; BLEEDING DISORDER, PLATELET-TYPE, 2; Thrombasthenia; Glanzmann's thrombasthenia; PLATELET GLYCOPROTEIN IIb-IIIa DEFICIENCY. Identifiers: Orphanet 849, MedGen C0040015, MONDO:0100326.

Allele frequency attached by ClinVar (database versions not stated): gnomAD exomes below 0.00001; gnomAD 0.00001; TOPMed 0.00002.
gnomAD v4.1: 3 of 1,613,978 alleles (0.00019%); highest among the groups gnomAD compares: African/African-American, 0.004%; no homozygotes.

Submissions (3):

ClinGen Platelet Disorders Variant Curation Expert Panel, ClinGen
Classification: Uncertain significance for Glanzmann thrombasthenia. Last evaluated: 2024-10-15. Review status: reviewed by expert panel. Criteria: ClinGen Platelet ACMG Specifications v2-1. Collection method: curation. Allele origin: germline. Inheritance: Autosomal recessive inheritance.
Comment: The ITGB3 missense variant NM_000212.3:c.836A>T replaces the lysine residue with a methionine residue (p.Lys279Met). The highest population minor allele frequency in gnomAD v4.1 is 0.00004005 (3/74904 alleles) in the African/African-American population, which is lower than the ClinGen PD VCEP threshold (<0.0001; PM2_Supporting). The variant is predicted by in silico tools to be damaging to protein function (REVEL 0.744; PP3). The functional impact has been assessed by flow cytometric detection of αIIb, β3, and αIIbβ3 positive cells following transient transfection of ITGB3 cDNA carrying this variant, showing a reduction in the number cells positive for the αIIbβ3 complex (estimated to be ~7% compared to wild type; PMID: 20020534; PS3_supporting). This variant has been observed in heterozygosity in an individual suspected to have Glanzmann's thrombasthenia (GT) (CabGT-24 in PMID: 20020534), however sufficient information to confirm if the individual's phenotype is specific for GT was not provided and the second ITGB3 variant identified in the individual is of uncertain significance and unknown phase. In summary, this variant is of uncertain significance and lacks sufficient evidence to be classified as pathogenic or benign for GT. GT-specific criteria applied: PS3_supporting, PM2_supporting, PP3.

Labcorp Genetics (formerly Invitae), Labcorp
Classification: Uncertain significance. Last evaluated: 2023-06-24. Review status: criteria provided, single submitter. Criteria: Invitae Variant Classification Sherloc (09022015). Collection method: clinical testing. Allele origin: germline. Not counted in ClinVar's aggregate classification.
Comment: In summary, the available evidence is currently insufficient to determine the role of this variant in disease. Therefore, it has been classified as a Variant of Uncertain Significance. Advanced modeling of protein sequence and biophysical properties (such as structural, functional, and spatial information, amino acid conservation, physicochemical variation, residue mobility, and thermodynamic stability) performed at Invitae indicates that this missense variant is expected to disrupt ITGB3 protein function. ClinVar contains an entry for this variant (Variation ID: 13568). This missense change has been observed in individual(s) with Glanzmann thrombasthenia (PMID: 20020534). This variant is present in population databases (rs79775494, gnomAD 0.007%). This sequence change replaces lysine, which is basic and polar, with methionine, which is neutral and non-polar, at codon 279 of the ITGB3 protein (p.Lys279Met).

OMIM
Classification: Pathogenic for GLANZMANN THROMBASTHENIA 2. Last evaluated: 2010-03-01. Review status: no assertion criteria provided. Collection method: literature only. Allele origin: germline. Not counted in ClinVar's aggregate classification.

Literature cited by the submitters: PubMed 20020534 (cited by 3 submitters).